The following is an entry in ClinVar:

ClinVar aggregate classification (germline): Benign/Likely benign. Review status: criteria provided, multiple submitters, no conflicts (2 of 4 stars). 6 submissions from 6 submitters: Benign (2); Likely benign (3). 1 of the submissions does not count toward it. Last evaluated 2026-01-28.

Conditions:
CEP104-related disorder. Also called: CEP104-related condition.
Joubert syndrome 25 (JBTS25). Identifiers: Orphanet 475, MedGen C4084842, MONDO:0014770, OMIM 616781.

Allele frequency attached by ClinVar (database versions not stated): gnomAD exomes 0.00038 and 0.00100; ExAC 0.00131; 1000 Genomes Project 0.00359; 1000 Genomes Project 30x 0.00375; ESP Exome Variant Server 0.00377; gnomAD 0.00402 and 0.00433; TOPMed 0.00471.
gnomAD v4.1: 1,189 of 1,604,336 alleles (0.074%); highest among the groups gnomAD compares: African/African-American, 1.4%; 7 homozygotes.

Submissions (6):

Labcorp Genetics (formerly Invitae), Labcorp
Classification: Benign for Joubert syndrome 25. Last evaluated: 2026-01-28. Review status: criteria provided, single submitter. Criteria: Invitae Variant Classification Sherloc (09022015). Collection method: clinical testing. Allele origin: germline.

Mayo Clinic Laboratories, Mayo Clinic
Classification: Likely benign. Last evaluated: 2025-02-24. Review status: criteria provided, single submitter. Criteria: ACMG Guidelines, 2015. Collection method: clinical testing. Allele origin: germline. Observed: 1 variant allele.
Comment: BS1, BP4_moderate

Blueprint Genetics
Classification: Likely benign. Last evaluated: 2024-10-25. Review status: criteria provided, single submitter. Criteria: ACMG Guidelines, 2015. Collection method: clinical testing. Allele origin: germline.

CeGaT Center for Human Genetics Tuebingen
Classification: Benign. Last evaluated: 2023-02-01. Review status: criteria provided, single submitter. Criteria: CeGaT Center For Human Genetics Tuebingen Variant Classification Criteria Version 2. Collection method: clinical testing. Allele origin: germline. Affected: yes. Observed: 2 variant alleles.
Comment: CEP104: BP4, BS1, BS2

GeneDx
Classification: Likely benign. Last evaluated: 2019-10-19. Review status: criteria provided, single submitter. Criteria: GeneDx Variant Classification Process June 2021. Collection method: clinical testing. Allele origin: germline. Affected: yes.

PreventionGenetics, part of Exact Sciences
Classification: Benign for CEP104-related condition. Last evaluated: 2019-05-22. Review status: no assertion criteria provided. Collection method: clinical testing. Allele origin: germline. Not counted in ClinVar's aggregate classification.
Comment: This variant is classified as benign based on ACMG/AMP sequence variant interpretation guidelines (Richards et al. 2015 PMID: 25741868, with internal and published modifications).

NM_014704.4(CEP104):c.416T>C (p.Ile139Thr)

Gene: CEP104 (centrosomal protein 104; minus strand). Cytogenetic location: 1p36.32.
Variant type: single nucleotide variant.
Coding change: c.416T>C on transcript NM_014704.4 (MANE Select); coding-DNA position 416, T replaced by C.
Protein change: p.Ile139Thr; replaces isoleucine 139 with threonine.
Molecular consequence: missense variant.
Genome position (GRCh38, 1-based): chr1:3,847,485, A>G on the plus strand (T>C on the coding strand, the complement: CEP104 is on the minus strand). VCF-style: chr1-3847485-A-G. GRCh37 (hg19) VCF-style: chr1-3764049-A-G.
Other names: p.Ile139Thr; short protein forms I139T.
Identifiers: ClinVar variation 707474 (VCV000707474.40), dbSNP rs76925798, ClinGen allele CA551987.